The following is an entry in ClinVar:

ClinVar aggregate classification (germline): Likely pathogenic (1 of 4 stars; one submission).

Submission:

CeGaT Center for Human Genetics Tuebingen
Classification: Likely pathogenic. Last evaluated: 2022-11-01. Review status: criteria provided, single submitter. Criteria: CeGaT Center For Human Genetics Tuebingen Variant Classification Criteria Version 2. Collection method: clinical testing. Allele origin: germline. Affected: yes. Observed: 1 variant allele.
Comment: SMS: PM1, PM2, PP3, PP4

NM_004595.5(SMS):c.697A>G (p.Met233Val)

Gene: SMS (spermine synthase; plus strand). Cytogenetic location: Xp22.11.
Variant type: single nucleotide variant.
Coding change: c.697A>G on transcript NM_004595.5 (MANE Select); coding-DNA position 697, A replaced by G.
Protein change: p.Met233Val; replaces methionine 233 with valine.
Molecular consequence: missense variant.
Genome position (GRCh38, 1-based): chrX:21,978,913, A>G. VCF-style: chrX-21978913-A-G. GRCh37 (hg19) VCF-style: chrX-21997031-A-G.
Other names: c.538A>G, p.Met180Val (NM_001258423.2); short protein forms M180V, M233V.
Identifiers: ClinVar variation 1879754 (VCV001879754.29), dbSNP rs2519671168, ClinGen allele CA412569050.